The following is an entry in ClinVar:

ClinVar aggregate classification (germline): Pathogenic/Likely pathogenic. Review status: criteria provided, multiple submitters, no conflicts (2 of 4 stars). 8 submissions from 8 submitters: Pathogenic (5); Likely pathogenic (3). Last evaluated 2025-04-30.

Conditions:
Acute lymphoid leukemia (ALL). Also called: Acute lymphoblastic leukemia; Acute lymphocytic leukemia; Lymphoblastic leukemia; Leukemia, acute lymphoblastic, somatic. Identifiers: Orphanet 513, MedGen C0023449, MONDO:0004967, OMIM 613065, HP:0006721.
Microcephaly, normal intelligence and immunodeficiency (NBS). Also called: IMMUNODEFICIENCY, MICROCEPHALY, AND CHROMOSOMAL INSTABILITY; SEEMANOVA SYNDROME II; Nijmegen breakage syndrome; Microcephaly with normal intelligence immunodeficiency and lymphoreticular malignancies; Nonsyndromal microcephaly autosomal recessive with normal intelligence; Seemanova syndrome 2. Identifiers: Orphanet 647, MedGen C0398791, MONDO:0009623, OMIM 251260.
Aplastic anemia. Identifiers: Orphanet 182040, Orphanet 88, MedGen C0002874, MONDO:0015909, OMIM 609135, HP:0001915.
Hereditary cancer-predisposing syndrome. Also called: Hereditary neoplastic syndrome; Neoplastic Syndromes, Hereditary; Tumor predisposition; Hereditary Cancer Syndrome. Identifiers: Orphanet 140162, MedGen C0027672, MeSH D009386, MONDO:0015356.

Submissions (8):

Natera, Inc.
Classification: Likely pathogenic for Nijmegen breakage syndrome. Last evaluated: 2025-04-30. Review status: criteria provided, single submitter. Criteria: Natera Variant Classification Schema (03/2026). Collection method: clinical testing. Allele origin: germline.
Comment: The c.1648_1651del variant in NBN is a frameshift variant predicted to shift the reading frame beginning at codon 550 and leads to a stop codon 8 codons downstream. This variant is expected to result in nonsense mediated decay, truncation, or a dysfunctional protein product. This variant is rare in the general population with a frequency below the threshold expected for the associated phenotype(s). Given the available evidence, this variant is classified as Likely Pathogenic.

Labcorp Genetics (formerly Invitae), Labcorp
Classification: Pathogenic for Microcephaly, normal intelligence and immunodeficiency. Last evaluated: 2025-04-08. Review status: criteria provided, single submitter. Criteria: Invitae Variant Classification Sherloc (09022015). Collection method: clinical testing. Allele origin: germline.
Comment: This sequence change creates a premature translational stop signal (p.Lys550Glyfs*8) in the NBN gene. It is expected to result in an absent or disrupted protein product. Loss-of-function variants in NBN are known to be pathogenic (PMID: 9590180, 16415040). This variant is not present in population databases (gnomAD no frequency). This variant has not been reported in the literature in individuals affected with NBN-related conditions. ClinVar contains an entry for this variant (Variation ID: 483999). For these reasons, this variant has been classified as Pathogenic.

Fulgent Genetics
Classification: Likely pathogenic for Microcephaly, normal intelligence and immunodeficiency; Aplastic anemia; Acute lymphoid leukemia. Last evaluated: 2024-05-31. Review status: criteria provided, single submitter. Criteria: ACMG Guidelines, 2015. Collection method: clinical testing. Allele origin: germline.

Baylor Genetics
Classification: Pathogenic for Aplastic anemia. Last evaluated: 2023-12-25. Review status: criteria provided, single submitter. Criteria: ACMG Guidelines, 2015. Collection method: clinical testing. Allele origin: unknown.

Ambry Genetics
Classification: Pathogenic for Hereditary cancer-predisposing syndrome. Last evaluated: 2022-10-13. Review status: criteria provided, single submitter. Criteria: Ambry Variant Classification Scheme 2023. Collection method: clinical testing. Allele origin: germline.
Comment: The c.1648_1651delAAAA pathogenic mutation, located in coding exon 11 of the NBN gene, results from a deletion of 4 nucleotides at nucleotide positions 1648 to 1651, causing a translational frameshift with a predicted alternate stop codon (p.K550Gfs*8). This variant is considered to be rare based on population cohorts in the Genome Aggregation Database (gnomAD). This alteration is expected to result in loss of function by premature protein truncation or nonsense-mediated mRNA decay. As such, this alteration is interpreted as a disease-causing mutation.

Genome-Nilou Lab
Classification: Pathogenic for Microcephaly, normal intelligence and immunodeficiency. Last evaluated: 2021-11-07. Review status: criteria provided, single submitter. Criteria: ACMG Guidelines, 2015. Collection method: clinical testing. Allele origin: germline. Affected: no.

GeneDx
Classification: Likely pathogenic. Last evaluated: 2021-10-26. Review status: criteria provided, single submitter. Criteria: GeneDx Variant Classification Process June 2021. Collection method: clinical testing. Allele origin: germline. Affected: yes.
Comment: Frameshift variant predicted to result in protein truncation or nonsense mediated decay in a gene for which loss-of-function is a known mechanism of disease; Not observed at significant frequency in large population cohorts (Lek et al., 2016); This variant is associated with the following publications: (PMID: 31589614)

Revvity Omics, Revvity
Classification: Pathogenic. Last evaluated: 2019-05-10. Review status: criteria provided, single submitter. Criteria: ACMG Guidelines, 2015. Collection method: clinical testing. Allele origin: germline.

Literature cited by the submitters: PubMed 9590180 (cited by Labcorp Genetics (formerly Invitae), Labcorp); PubMed 16415040 (cited by Labcorp Genetics (formerly Invitae), Labcorp).

NM_002485.5(NBN):c.1648_1651del (p.Lys550fs)

Gene: NBN (nibrin; minus strand). Cytogenetic location: 8q21.3.
Variant type: Deletion.
Coding change: c.1648_1651del on transcript NM_002485.5 (MANE Select); coding-DNA positions 1648 to 1651, 4 bases deleted (AAAA; older notation c.1648_1651delAAAA).
Protein change: p.Lys550fs; shifts the reading frame from lysine 550.
Molecular consequence: frameshift variant.
Genome position (GRCh38, 1-based): chr8:89,953,438-89,953,441, TTTT deleted on the plus strand (AAAA on the coding strand, the reverse complement: NBN is on the minus strand); deleting any 4 consecutive bases within chr8:89,953,438-89,953,444 gives the same sequence; the c. name uses the placement nearest the transcript's 3' end. VCF-style (leftmost placement, unchanged base first): chr8-89953437-CTTTT-C. GRCh37 (hg19) VCF-style: chr8-90965665-CTTTT-C.
Other names: c.1648_1651delAAAA (NM_002485.4); c.1402_1405del, p.Lys468fs (NM_001024688.3); short protein forms K468fs, K550fs.
Identifiers: ClinVar variation 483999 (VCV000483999.28), dbSNP rs766044684, ClinGen allele CA658657791.
Genomic context (GRCh38, chr8:89,953,437, plus strand): 5'-TTTGTGTCCTTGAATAACTGTTCCAATACTTCATCTTCTATGGCCACATCATCCATTTCC[CTTTT>C]TTTATTTGATCTTAGCTTTTCTGCAGCATGAGATTTACTGGCAGAATTTTTCACAATAGA-3'